The following is an entry in ClinVar:

NM_001040113.2(MYH11):c.5832G>A (p.Ser1944=)

Genes: MYH11 (myosin heavy chain 11; minus strand), NDE1 (nudE neurodevelopment protein 1; plus strand). Cytogenetic location: 16p13.11.
Variant type: single nucleotide variant.
Coding change: c.5832G>A on transcript NM_001040113.2 (MANE Plus Clinical); coding-DNA position 5832, G replaced by A.
Protein change: p.Ser1944=; no amino-acid change (serine 1944 retained).
Molecular consequence: synonymous variant. On other transcripts: intron variant (4).
Genome position (GRCh38, 1-based): chr16:15,708,817, C>T on the plus strand (G>A on the coding strand, the complement: MYH11 is on the minus strand). VCF-style: chr16-15708817-C-T. GRCh37 (hg19) VCF-style: chr16-15802674-C-T.
Other names: p.Ser1944=; c.5811G>A, p.Ser1937= (NM_022844.3); c.947+11957C>T (NM_001143979.2, NM_017668.3); c.5787-4694G>A (NM_002474.3); c.5808-4694G>A (NM_001040114.2).
Identifiers: ClinVar variation 465753 (VCV000465753.19), dbSNP rs373899395, ClinGen allele CA7921098.
Genomic context (GRCh38, chr16:15,708,817, plus strand): 5'-ATGGATACTGAGACAACACACAGCTGCGAAGCTGAAGGCATGATACCTGGTGCATCACTG[C>T]GAAGTTTCCTGTGGGGGGGGCCCTCTGAAACAGAGAGAGAATCCCCGGAGGTTACCATCA-3'
Protein context (NP_001035202.1, residues 1934-1945): KLRGPPPQET[Ser1944=]Q

ClinVar aggregate classification (germline): Likely benign. Review status: criteria provided, multiple submitters, no conflicts (2 of 4 stars). 7 submissions from 7 submitters: Likely benign (7). Last evaluated 2026-01-13.

Conditions:
Aortic aneurysm, familial thoracic 4 (AAT4). Also called: AORTIC ANEURYSM/AORTIC DISSECTION AND PATENT DUCTUS ARTERIOSUS. Identifiers: MedGen C1851504, MONDO:0007568, OMIM 132900.
Familial thoracic aortic aneurysm and aortic dissection (TAAD). Also called: Thoracic aortic aneurysms and dissections. Identifiers: Orphanet 91387, MedGen C4707243, MONDO:0019625.

Allele frequency attached by ClinVar (database versions not stated): TOPMed 0.00002; gnomAD 0.00003.
gnomAD v4.1: 47 of 1,608,956 alleles (0.0029%); highest among the groups gnomAD compares: Admixed American, 0.03%; no homozygotes.

Submissions (7):

Labcorp Genetics (formerly Invitae), Labcorp
Classification: Likely benign for Aortic aneurysm, familial thoracic 4. Last evaluated: 2026-01-13. Review status: criteria provided, single submitter. Criteria: Invitae Variant Classification Sherloc (09022015). Collection method: clinical testing. Allele origin: germline.

Mayo Clinic Laboratories, Mayo Clinic
Classification: Likely benign. Last evaluated: 2025-10-21. Review status: criteria provided, single submitter. Criteria: ACMG Guidelines, 2015. Collection method: clinical testing. Allele origin: germline. Observed: 1 variant allele.
Comment: BP4, BP7

Women's Health and Genetics/Laboratory Corporation of America, LabCorp
Classification: Likely benign. Last evaluated: 2024-04-14. Review status: criteria provided, single submitter. Criteria: LabCorp Variant Classification Summary - May 2015. Collection method: clinical testing. Allele origin: germline.

All of Us Research Program, National Institutes of Health
Classification: Likely benign for Familial thoracic aortic aneurysm and aortic dissection. Last evaluated: 2024-02-05. Review status: criteria provided, single submitter. Criteria: ACMG Guidelines, 2015. Collection method: clinical testing. Allele origin: germline. Inheritance: Autosomal dominant inheritance. Observed: 16 variant alleles, 16 heterozygotes.
Comment: This study involves interpretation of variants in research participants for the purpose of population health screening. Participant phenotype was not available at the time of variant classification. Additional details can be found in publication PMID: 35346344, PMCID: PMC8962531

Blueprint Genetics
Classification: Likely benign. Last evaluated: 2023-04-06. Review status: criteria provided, single submitter. Criteria: ACMG Guidelines, 2015. Collection method: clinical testing. Allele origin: germline.

GeneDx
Classification: Likely benign. Last evaluated: 2020-06-22. Review status: criteria provided, single submitter. Criteria: GeneDx Variant Classification Process June 2021. Collection method: clinical testing. Allele origin: germline. Affected: yes.
Comment: Has not been previously published as pathogenic or benign to our knowledge; In silico analysis supports that this variant does not alter splicing

Color Diagnostics, LLC DBA Color Health
Classification: Likely benign for Familial thoracic aortic aneurysm and aortic dissection. Last evaluated: 2019-05-13. Review status: criteria provided, single submitter. Criteria: ACMG Guidelines, 2015. Collection method: clinical testing. Allele origin: germline.